The following is an entry in ClinVar:

NM_000186.4(CFH):c.770G>A (p.Arg257His)

Gene: CFH (complement factor H; plus strand). Cytogenetic location: 1q31.3.
Variant type: single nucleotide variant.
Coding change: c.770G>A on transcript NM_000186.4 (MANE Select); coding-DNA position 770, G replaced by A.
Protein change: p.Arg257His; replaces arginine 257 with histidine.
Molecular consequence: missense variant.
Genome position (GRCh38, 1-based): chr1:196,679,773, G>A. VCF-style: chr1-196679773-G-A. GRCh37 (hg19) VCF-style: chr1-196648903-G-A.
Other names: c.770G>A, p.Arg257His (NM_001014975.3); short protein forms R257H.
Identifiers: ClinVar variation 294487 (VCV000294487.14), dbSNP rs140107330, ClinGen allele CA1305141.
Genomic context (GRCh38, chr1:196,679,773, plus strand): 5'-GTAACATGGGTTATGAATACAGTGAAAGAGGAGATGCTGTATGCACTGAATCTGGATGGC[G>A]TCCGTTGCCTTCATGTGAAGGTAATGTTACCTTTATTTTCTGGATCTTTATAAATTTATC-3'
Protein context (NP_000177.2, residues 247-267): GDAVCTESGW[Arg257His]PLPSCEEKSC

ClinVar aggregate classification (germline): Conflicting classifications of pathogenicity. Review status: criteria provided, conflicting classifications (1 of 4 stars). 8 submissions from 5 submitters: Uncertain significance (5); Benign (1); Likely benign (2). Last evaluated 2026-01-19.

Conditions:
Basal laminar drusen. Also called: DRUSEN OF BRUCH MEMBRANE; DRUSEN, CUTICULAR; DRUSEN, EARLY ADULT-ONSET, GROUPED. Identifiers: Orphanet 75376, MedGen C0730295, MONDO:0007472, OMIM 126700.
Atypical hemolytic-uremic syndrome. Identifiers: Orphanet 2134, MedGen C2931788, MONDO:0016244.
Age related macular degeneration 4. Identifiers: MedGen C1853147, MONDO:0012540, OMIM 610698.
Factor H deficiency (CFHD). Also called: COMPLEMENT FACTOR H DEFICIENCY; CFH DEFICIENCY. Identifiers: Orphanet 200421, MedGen C0398777, MONDO:0012350, OMIM 609814.
CFH-Related Dense Deposit Disease / Membranoproliferative Glomerulonephritis Type II. Identifiers: MedGen CN071292.
Hemolytic uremic syndrome, atypical, susceptibility to, 1. Also called: AHUS, SUSCEPTIBILITY TO, 1. Identifiers: Orphanet 2134, Orphanet 90038, MedGen C2749604, MONDO:0009335, OMIM 235400. Disease mechanism: Other.

Allele frequency attached by ClinVar (database versions not stated): ExAC 0.00003; gnomAD 0.00003; gnomAD exomes 0.00003 and 0.00004; TOPMed 0.00004; ESP Exome Variant Server 0.00015; 1000 Genomes Project 30x 0.00031; 1000 Genomes Project 0.00040.
gnomAD v4.1: 46 of 1,610,918 alleles (0.0029%); highest among the groups gnomAD compares: East Asian, 0.018%; no homozygotes.

Submissions (8):

Labcorp Genetics (formerly Invitae), Labcorp
Classification: Uncertain significance. Last evaluated: 2026-01-19. Review status: criteria provided, single submitter. Criteria: Invitae Variant Classification Sherloc (09022015). Collection method: clinical testing. Allele origin: germline.
Comment: This sequence change replaces arginine, which is basic and polar, with histidine, which is basic and polar, at codon 257 of the CFH protein (p.Arg257His). The frequency data for this variant in the population databases is considered unreliable, as metrics indicate poor data quality at this position in the gnomAD database. This variant has not been reported in the literature in individuals affected with CFH-related conditions. ClinVar contains an entry for this variant (Variation ID: 294487). An algorithm developed to predict the effect of missense changes on protein structure and function outputs the following: PolyPhen-2: "Benign". The histidine amino acid residue is found in multiple mammalian species, which suggests that this missense change does not adversely affect protein function. In summary, the available evidence is currently insufficient to determine the role of this variant in disease. Therefore, it has been classified as a Variant of Uncertain Significance.

Genomenon, Inc
Classification: Uncertain significance for Basal laminar drusen; Age related macular degeneration 4; Atypical hemolytic-uremic syndrome; Factor H deficiency. Last evaluated: 2025-10-02. Review status: criteria provided, single submitter. Criteria: Genomenon Sequence Variant Interpretation Standards - Updated. Collection method: curation. Allele origin: germline. Affected: no.
Comment: CFH p.Arg257His (c.770G>A) is a missense variant that changes the amino acid at residue 257 from Arginine to Histidine. This variant has been reported in the published literature (PMID:26501415). It is absent or not present at a significant frequency in gnomAD. In silico models agree that this variant is not damaging. In conclusion, we classify CFH p.Arg257His (c.770G>A) as a variant of uncertain significance.

Blueprint Genetics
Classification: Likely benign. Last evaluated: 2023-06-21. Review status: criteria provided, single submitter. Criteria: ACMG Guidelines, 2015. Collection method: clinical testing. Allele origin: germline.

Genome Diagnostics Laboratory, The Hospital for Sick Children
Classification: Likely benign for Atypical hemolytic-uremic syndrome. Last evaluated: 2022-03-14. Review status: criteria provided, single submitter. Criteria: ACMG Guidelines, 2015. Collection method: clinical testing. Allele origin: germline.

Illumina Laboratory Services, Illumina
Classification: Uncertain significance for Basal laminar drusen. Last evaluated: 2018-01-13. Review status: criteria provided, single submitter. Criteria: ICSL Variant Classification Criteria 13 December 2019. Collection method: clinical testing. Allele origin: germline.

Illumina Laboratory Services, Illumina
Classification: Uncertain significance for Membranoproliferative glomerulonephritis with complement factor h deficiency. Last evaluated: 2018-01-13. Review status: criteria provided, single submitter. Criteria: ICSL Variant Classification Criteria 13 December 2019. Collection method: clinical testing. Allele origin: germline.

Illumina Laboratory Services, Illumina
Classification: Uncertain significance for Age related macular degeneration 4. Last evaluated: 2018-01-13. Review status: criteria provided, single submitter. Criteria: ICSL Variant Classification Criteria 13 December 2019. Collection method: clinical testing. Allele origin: germline.

Illumina Laboratory Services, Illumina
Classification: Benign for Hemolytic uremic syndrome, atypical, susceptibility to, 1. Last evaluated: 2018-01-13. Review status: criteria provided, single submitter. Criteria: ICSL Variant Classification Criteria 13 December 2019. Collection method: clinical testing. Allele origin: germline.
Comment: This variant was observed in the ICSL laboratory as part of a predisposition screen in an ostensibly healthy population. It had not been previously curated by ICSL or reported in the Human Gene Mutation Database (HGMD: prior to June 1st, 2018), and was therefore a candidate for classification through an automated scoring system. Utilizing variant allele frequency, disease prevalence and penetrance estimates, and inheritance mode, an automated score was calculated to assess if this variant is too frequent to cause the disease. Based on the score and internal cut-off values, a variant classified as benign is not then subjected to further curation. The score for this variant resulted in a classification of benign for this disease.

Literature cited by the submitters: PubMed 26501415 (cited by Genomenon, Inc).